The following is an entry in ClinVar:

NM_001363711.2(DUOX2):c.4239+1G>A

Gene: DUOX2 (dual oxidase 2; minus strand). Cytogenetic location: 15q21.1.
Variant type: single nucleotide variant.
Coding change: c.4239+1G>A on transcript NM_001363711.2 (MANE Select); the canonical splice donor site of the intron after coding-DNA position 4239, G replaced by A.
Molecular consequence: splice donor variant.
Genome position (GRCh38, 1-based): chr15:45,095,436, C>T on the plus strand (G>A on the coding strand, the complement: DUOX2 is on the minus strand). VCF-style: chr15-45095436-C-T. GRCh37 (hg19) VCF-style: chr15-45387634-C-T.
Other names: c.4239+1G>A (NM_014080.5, NM_014080.4).
Identifiers: ClinVar variation 2827133 (VCV002827133.4), dbSNP rs2504738840, ClinGen allele CA392251035.

ClinVar aggregate classification (germline): Likely pathogenic. Review status: criteria provided, multiple submitters, no conflicts (2 of 4 stars). 2 submissions from 2 submitters: Likely pathogenic (2). Last evaluated 2024-02-07.

Conditions:
Thyroid dyshormonogenesis 6 (TDH6). Also called: HYPOTHYROIDISM, CONGENITAL, DUE TO DYSHORMONOGENESIS, 6; THYROID HORMONOGENESIS, GENETIC DEFECT IN, 6; Genetic transient congenital hypothyroidism. Identifiers: Orphanet 226316, Orphanet 95716, MedGen C1846632, MONDO:0011792, OMIM 607200.

Allele frequency attached by ClinVar (database versions not stated): gnomAD exomes below 0.00001.
gnomAD v4.1: 1 of 1,614,244 alleles (0.000062%); highest among the groups gnomAD compares: South Asian, 0.0011%; no homozygotes.

Submissions (2):

Labcorp Genetics (formerly Invitae), Labcorp
Classification: Likely pathogenic. Last evaluated: 2024-02-07. Review status: criteria provided, single submitter. Criteria: Invitae Variant Classification Sherloc (09022015). Collection method: clinical testing. Allele origin: germline.
Comment: This sequence change affects a donor splice site in intron 31 of the DUOX2 gene. It is expected to disrupt RNA splicing. Variants that disrupt the donor or acceptor splice site typically lead to a loss of protein function (PMID: 16199547), and loss-of-function variants in DUOX2 are known to be pathogenic (PMID: 12110737, 18765513, 21565790, 24423310, 24735383). This variant is not present in population databases (gnomAD no frequency). This variant has not been reported in the literature in individuals affected with DUOX2-related conditions. Algorithms developed to predict the effect of sequence changes on RNA splicing suggest that this variant may disrupt the consensus splice site. In summary, the currently available evidence indicates that the variant is pathogenic, but additional data are needed to prove that conclusively. Therefore, this variant has been classified as Likely Pathogenic.

Fulgent Genetics
Classification: Likely pathogenic for Thyroid dyshormonogenesis 6. Last evaluated: 2024-01-30. Review status: criteria provided, single submitter. Criteria: ACMG Guidelines, 2015. Collection method: clinical testing. Allele origin: germline.

Literature cited by the submitters: PubMed 16199547 (cited by Labcorp Genetics (formerly Invitae), Labcorp); PubMed 12110737 (cited by Labcorp Genetics (formerly Invitae), Labcorp); PubMed 18765513 (cited by Labcorp Genetics (formerly Invitae), Labcorp); PubMed 21565790 (cited by Labcorp Genetics (formerly Invitae), Labcorp); PubMed 24423310 (cited by Labcorp Genetics (formerly Invitae), Labcorp); PubMed 24735383 (cited by Labcorp Genetics (formerly Invitae), Labcorp).